The following is an entry in ClinVar:

ClinVar aggregate classification (germline): Uncertain significance (1 of 4 stars; one submission).

Submission:

Labcorp Genetics (formerly Invitae), Labcorp
Classification: Uncertain significance. Last evaluated: 2024-09-13. Review status: criteria provided, single submitter. Criteria: Invitae Variant Classification Sherloc (09022015). Collection method: clinical testing. Allele origin: germline.
Comment: This sequence change replaces cysteine, which is neutral and slightly polar, with serine, which is neutral and polar, at codon 594 of the TCIRG1 protein (p.Cys594Ser). This variant is present in population databases (rs779298401, gnomAD 0.0009%). This variant has not been reported in the literature in individuals affected with TCIRG1-related conditions. Invitae Evidence Modeling of protein sequence and biophysical properties (such as structural, functional, and spatial information, amino acid conservation, physicochemical variation, residue mobility, and thermodynamic stability) indicates that this missense variant is not expected to disrupt TCIRG1 protein function with a negative predictive value of 80%. In summary, the available evidence is currently insufficient to determine the role of this variant in disease. Therefore, it has been classified as a Variant of Uncertain Significance.

NM_006019.4(TCIRG1):c.1781G>C (p.Cys594Ser)

Gene: TCIRG1 (T cell immune regulator 1, ATPase H+ transporting V0 subunit a3; plus strand). Cytogenetic location: 11q13.2.
Variant type: single nucleotide variant.
Coding change: c.1781G>C on transcript NM_006019.4 (MANE Select); coding-DNA position 1781, G replaced by C.
Protein change: p.Cys594Ser; replaces cysteine 594 with serine.
Molecular consequence: missense variant.
Genome position (GRCh38, 1-based): chr11:68,049,188, G>C. VCF-style: chr11-68049188-G-C. GRCh37 (hg19) VCF-style: chr11-67816655-G-C.
Other names: c.887G>C, p.Cys296Ser (NM_001351059.2); c.1133G>C, p.Cys378Ser (NM_006053.4); short protein forms C296S, C378S, C594S.
Identifiers: ClinVar variation 3705928 (VCV003705928.2).